The following is an entry in ClinVar:

ClinVar aggregate classification (germline): Uncertain significance. Review status: criteria provided, multiple submitters, no conflicts (2 of 4 stars). 2 submissions from 2 submitters: Uncertain significance (2). Last evaluated 2025-08-01.

Conditions:
Hereditary cancer-predisposing syndrome. Also called: Hereditary Cancer Syndrome; Neoplastic Syndromes, Hereditary; Tumor predisposition; Hereditary neoplastic syndrome. Identifiers: Orphanet 140162, MedGen C0027672, MeSH D009386, MONDO:0015356.

Allele frequency attached by ClinVar (database versions not stated): gnomAD exomes below 0.00001.
gnomAD v4.1: 1 of 1,600,974 alleles (0.000062%); highest among the groups gnomAD compares: Non-Finnish European, 0.000085%; no homozygotes.

Submissions (2):

Ambry Genetics
Classification: Uncertain significance for Hereditary cancer-predisposing syndrome. Last evaluated: 2025-08-01. Review status: criteria provided, single submitter. Criteria: Ambry Variant Classification Scheme 2023. Collection method: clinical testing. Allele origin: germline.
Comment: The p.Q1732R variant (also known as c.5195A>G), located in coding exon 39 of the POLE gene, results from an A to G substitution at nucleotide position 5195. The glutamine at codon 1732 is replaced by arginine, an amino acid with highly similar properties. This amino acid position is conserved. In addition, the in silico prediction for this alteration is inconclusive. Since supporting evidence is limited at this time, the clinical significance of this alteration remains unclear.

Labcorp Genetics (formerly Invitae), Labcorp
Classification: Uncertain significance. Last evaluated: 2025-01-08. Review status: criteria provided, single submitter. Criteria: Invitae Variant Classification Sherloc (09022015). Collection method: clinical testing. Allele origin: germline.
Comment: This sequence change replaces glutamine, which is neutral and polar, with arginine, which is basic and polar, at codon 1732 of the POLE protein (p.Gln1732Arg). This variant is not present in population databases (gnomAD no frequency). This variant has not been reported in the literature in individuals affected with POLE-related conditions. ClinVar contains an entry for this variant (Variation ID: 1745937). Invitae Evidence Modeling of protein sequence and biophysical properties (such as structural, functional, and spatial information, amino acid conservation, physicochemical variation, residue mobility, and thermodynamic stability) indicates that this missense variant is not expected to disrupt POLE protein function with a negative predictive value of 80%. In summary, the available evidence is currently insufficient to determine the role of this variant in disease. Therefore, it has been classified as a Variant of Uncertain Significance.

NM_006231.4(POLE):c.5195A>G (p.Gln1732Arg)

Gene: POLE (DNA polymerase epsilon, catalytic subunit; minus strand). Cytogenetic location: 12q24.33.
Variant type: single nucleotide variant.
Coding change: c.5195A>G on transcript NM_006231.4 (MANE Select); coding-DNA position 5195, A replaced by G.
Protein change: p.Gln1732Arg; replaces glutamine 1732 with arginine.
Molecular consequence: missense variant.
Genome position (GRCh38, 1-based): chr12:132,641,830, T>C on the plus strand (A>G on the coding strand, the complement: POLE is on the minus strand). VCF-style: chr12-132641830-T-C. GRCh37 (hg19) VCF-style: chr12-133218416-T-C.
Other names: short protein forms Q1732R.
Identifiers: ClinVar variation 1745937 (VCV001745937.6), dbSNP rs2541881729, ClinGen allele CA387376457.